The following is an entry in ClinVar:

ClinVar aggregate classification (germline): Uncertain significance (1 of 4 stars; one submission).

Conditions:
Cardiomyopathy (CMYO). Also called: Cardiomyopathies. Identifiers: Orphanet 167848, MedGen C0878544, MONDO:0004994, HP:0001638. Inheritance: Various modes of inheritance.

Submission:

Color Diagnostics, LLC DBA Color Health
Classification: Uncertain significance for Cardiomyopathy. Last evaluated: 2025-11-24. Review status: criteria provided, single submitter. Criteria: ACMG Guidelines, 2015. Collection method: clinical testing. Allele origin: germline.
Comment: This missense variant replaces arginine with glycine at codon 578 of the PKP2 protein. Computational prediction suggests that this variant may not impact protein structure and function. To our knowledge, functional studies have not been reported for this variant. This variant has not been reported in individuals affected with PKP2-related disorders in the literature. This variant has been identified in 3/1613480 chromosomes in the general population by the Genome Aggregation Database (gnomAD). The available evidence is insufficient to determine the role of this variant in disease conclusively. Therefore, this variant is classified as a Variant of Uncertain Significance.

NM_001005242.3(PKP2):c.1600A>G (p.Arg534Gly)

Gene: PKP2 (plakophilin 2; minus strand). Cytogenetic location: 12p11.21.
Variant type: single nucleotide variant.
Coding change: c.1600A>G on transcript NM_001005242.3 (MANE Select); coding-DNA position 1600, A replaced by G.
Protein change: p.Arg534Gly; replaces arginine 534 with glycine.
Molecular consequence: missense variant.
Genome position (GRCh38, 1-based): chr12:32,824,119, T>C on the plus strand (A>G on the coding strand, the complement: PKP2 is on the minus strand). VCF-style: chr12-32824119-T-C. GRCh37 (hg19) VCF-style: chr12-32977053-T-C.
Other names: c.1600A>G, p.Arg534Gly (NM_001407155.1, NM_001407156.1, NM_001407161.1); c.1732A>G, p.Arg578Gly (NM_001407157.1, NM_004572.4); c.1273A>G, p.Arg425Gly (NM_001407158.1, NM_001407159.1, NM_001407160.1 and 1 more transcripts); short protein forms R425G, R534G, R578G.
Identifiers: ClinVar variation 4759166 (VCV004759166.1).
Genomic context (GRCh38, chr12:32,824,119, plus strand): 5'-GGTAATCTGCAATGGTTCCTCTGACATAATGGACCAGTGAGTCAATGAGTCCGTCACATC[T>C]TCTCATCGCTTTTCTCCCATCAGCGCCAGCAGAACTCATGTTTCTATCAGAAAAAACAAA-3'
Protein context (NP_001005242.2, residues 524-544): AGADGRKAMR[Arg534Gly]CDGLIDSLVH